The following is an entry in ClinVar:

NM_001913.5(CUX1):c.1563+1G>A

Gene: CUX1 (cut like homeobox 1; plus strand). Cytogenetic location: 7q22.1.
Variant type: single nucleotide variant.
Coding change: c.1563+1G>A on transcript NM_001913.5 (MANE Plus Clinical); the canonical splice donor site of the intron after coding-DNA position 1563, G replaced by A.
Molecular consequence: splice donor variant.
Genome position (GRCh38, 1-based): chr7:102,275,360, G>A. VCF-style: chr7-102275360-G-A. GRCh37 (hg19) VCF-style: chr7-101918631-G-A.
Other names: c.1557+1G>A (NM_181500.4); c.1425+1G>A (NM_001202545.3); c.1515+1G>A (NM_001202544.3); c.1446+1G>A (NM_001202546.3).
Identifiers: ClinVar variation 1710283 (VCV001710283.3), dbSNP rs1009364008, ClinGen allele CA163414760.

ClinVar aggregate classification (germline): Likely benign (0 of 4 stars; one submission).

Conditions:
Global developmental delay with or without impaired intellectual development. Identifiers: MedGen C5193032, MONDO:0032680, OMIM 618330.

Allele frequency attached by ClinVar (database versions not stated): gnomAD 0.00001; gnomAD exomes below 0.00001; TOPMed below 0.00001.
gnomAD v4.1: 6 of 1,609,420 alleles (0.00037%); highest among the groups gnomAD compares: South Asian, 0.0011%; no homozygotes.

Submission:

Clinical Genetics Laboratory, University Hospital Schleswig-Holstein
Classification: Likely benign for Global developmental delay with or without impaired intellectual development. Last evaluated: 2022-12-01. Review status: no assertion criteria provided. Collection method: clinical testing. Allele origin: germline. Affected: yes.
Comment: The variant does not affect the clinically relevant transcript.